The following is an entry in ClinVar:

ClinVar aggregate classification (germline): Pathogenic (1 of 4 stars; one submission).

Conditions:
Hereditary cancer-predisposing syndrome. Also called: Neoplastic Syndromes, Hereditary; Tumor predisposition; Hereditary Cancer Syndrome; Hereditary neoplastic syndrome. Identifiers: Orphanet 140162, MedGen C0027672, MeSH D009386, MONDO:0015356.

Submission:

Ambry Genetics
Classification: Pathogenic for Hereditary cancer-predisposing syndrome. Last evaluated: 2019-08-07. Review status: criteria provided, single submitter. Criteria: Ambry Variant Classification Scheme 2023. Collection method: clinical testing. Allele origin: germline.
Comment: The p.E1353* pathogenic mutation (also known as c.4057G>T), located in coding exon 26 of the ATM gene, results from a G to T substitution at nucleotide position 4057. This changes the amino acid from a glutamic acid to a stop codon within coding exon 26. This alteration is expected to result in loss of function by premature protein truncation or nonsense-mediated mRNA decay. As such, this alteration is interpreted as a disease-causing mutation.

NM_000051.4(ATM):c.4057G>T (p.Glu1353Ter)

Gene: ATM (ATM serine/threonine kinase; plus strand). Cytogenetic location: 11q22.3.
Variant type: single nucleotide variant.
Coding change: c.4057G>T on transcript NM_000051.4 (MANE Select); coding-DNA position 4057, G replaced by T.
Protein change: p.Glu1353Ter; replaces glutamic acid 1353 with a stop codon.
Molecular consequence: nonsense.
Genome position (GRCh38, 1-based): chr11:108,287,663, G>T. VCF-style: chr11-108287663-G-T. GRCh37 (hg19) VCF-style: chr11-108158390-G-T.
Other names: c.4057G>T, p.Glu1353Ter (NM_001351834.2); short protein forms E1353*.
Identifiers: ClinVar variation 1737423 (VCV001737423.2), dbSNP rs2135736601, ClinGen allele CA382528015.
Genomic context (GRCh38, chr11:108,287,663, plus strand): 5'-GATCACTTATTCATTAGTAATTTACCAGAGATTGTGGTGGAGTTATTGATGACGTTACAT[G>T]AGCCAGCAAATTCTAGTGCCAGTCAGAGCACTGACCTCTGTGACTTTTCAGGGTATGTAC-3'